The following is an entry in ClinVar:

ClinVar aggregate classification (germline): Pathogenic. Review status: criteria provided, single submitter (1 of 4 stars). 2 submissions from 2 submitters: Pathogenic (1). 1 of the submissions does not count toward it. Last evaluated 2024-03-24.

Conditions:
Developmental and epileptic encephalopathy, 9 (DEE9). Also called: PCDH19-Related X-Linked Female-Limited Epilepsy with Mental Retardation; Early infantile epileptic encephalopathy 9; EPILEPSY, FEMALE-RESTRICTED, WITH MENTAL RETARDATION; JUBERG-HELLMAN SYNDROME. Identifiers: Orphanet 101039, Orphanet 2076, MedGen C1848137, MONDO:0010246, OMIM 300088. Disease mechanism: loss of function.

Submissions (2):

Labcorp Genetics (formerly Invitae), Labcorp
Classification: Pathogenic for Developmental and epileptic encephalopathy, 9. Last evaluated: 2024-03-24. Review status: criteria provided, single submitter. Criteria: Invitae Variant Classification Sherloc (09022015). Collection method: clinical testing. Allele origin: germline.
Comment: This sequence change creates a premature translational stop signal (p.Ser476Cysfs*46) in the PCDH19 gene. It is expected to result in an absent or disrupted protein product. Loss-of-function variants in PCDH19 are known to be pathogenic (PMID: 21053371). This variant is not present in population databases (gnomAD no frequency). This premature translational stop signal has been observed in individual(s) with clinical features of early infantile epileptic encephalopathy (PMID: 30182498). In at least one individual the variant was observed to be de novo. For these reasons, this variant has been classified as Pathogenic.

Genetics and Genomic Medicine Centre, NeuroGen Healthcare, NeuroGen Healthcare
Classification: Pathogenic. Last evaluated: 2022-10-15. Review status: no assertion criteria provided. Collection method: clinical testing. Allele origin: unknown. Affected: yes. Not counted in ClinVar's aggregate classification.

Literature cited by the submitters: PubMed 21053371 (cited by Labcorp Genetics (formerly Invitae), Labcorp); PubMed 30182498 (cited by Labcorp Genetics (formerly Invitae), Labcorp).

NM_001184880.2(PCDH19):c.1425_1426del (p.Ser476fs)

Gene: PCDH19 (protocadherin 19; minus strand). Cytogenetic location: Xq22.1.
Variant type: Microsatellite.
Coding change: c.1425_1426del on transcript NM_001184880.2 (MANE Select); coding-DNA positions 1425 to 1426, 2 bases deleted (GT; older notation c.1425_1426delGT).
Protein change: p.Ser476fs; shifts the reading frame from serine 476.
Molecular consequence: frameshift variant.
Genome position (GRCh38, 1-based): chrX:100,407,172-100,407,173, AC deleted on the plus strand (GT on the coding strand, the reverse complement: PCDH19 is on the minus strand); deleting any 2 consecutive bases within chrX:100,407,172-100,407,176 gives the same sequence; the c. name uses the placement nearest the transcript's 3' end. VCF-style (leftmost placement, unchanged base first): chrX-100407171-GAC-G. GRCh37 (hg19) VCF-style: chrX-99662169-GAC-G.
Other names: c.1425_1426del, p.Ser476fs (NM_001105243.2, NM_020766.3); short protein forms S476fs.
Identifiers: ClinVar variation 1070780 (VCV001070780.11), dbSNP rs2147538796, ClinGen allele CA2580612443.